The following is an entry in ClinVar:

NM_001077365.2(POMT1):c.986+5G>A

Gene: POMT1 (protein O-mannosyltransferase 1; plus strand). Cytogenetic location: 9q34.13.
Variant type: single nucleotide variant.
Coding change: c.986+5G>A on transcript NM_001077365.2 (MANE Select); 5 bases into the intron after coding-DNA position 986, G replaced by A.
Molecular consequence: intron variant. On other transcripts: missense variant (1), non-coding transcript variant (5).
Genome position (GRCh38, 1-based): chr9:131,511,472, G>A. VCF-style: chr9-131511472-G-A. GRCh37 (hg19) VCF-style: chr9-134386859-G-A.
Other names: c.974G>A, p.Arg325Lys (NM_001374689.1); c.890+5G>A (NM_001353198.2, NM_001353197.2); c.1052+5G>A (NM_001353193.2, NM_007171.4); c.986+5G>A (NM_001136113.2, NM_001374690.1); c.824+5G>A (NM_001353194.2, NM_001077366.2, NM_001374693.1); c.635+5G>A (NM_001374691.1, NM_001353195.2, NM_001374692.1 and 1 more transcripts); c.896+5G>A (NM_001353196.2); c.596+5G>A (NM_001374695.1); and 2 more; short protein forms R325K.
Identifiers: ClinVar variation 429561 (VCV000429561.8), dbSNP rs370096853, ClinGen allele CA5293483.

ClinVar aggregate classification (germline): Uncertain significance. Review status: criteria provided, multiple submitters, no conflicts (2 of 4 stars). 2 submissions from 2 submitters: Uncertain significance (2). Last evaluated 2023-10-17.

Conditions:
Autosomal recessive limb-girdle muscular dystrophy type 2K. Also called: MUSCULAR DYSTROPHY, LIMB-GIRDLE, TYPE 2K; MUSCULAR DYSTROPHY-DYSTROGLYCANOPATHY (LIMB-GIRDLE), TYPE C, 1. Identifiers: Orphanet 86812, MedGen C1836373, MONDO:0012248, OMIM 609308.
Walker-Warburg congenital muscular dystrophy. Also called: Muscular dystrophy-dystroglycanopathy, type A; Walker-Warburg syndrome. Identifiers: Orphanet 899, MedGen C0265221, MONDO:0000171.
Muscular dystrophy-dystroglycanopathy (congenital with impaired intellectual development), type B, 1. Also called: Muscular dystrophy-dystroglycanopathy (congenital with intellectual disability), type B1; MUSCULAR DYSTROPHY, CONGENITAL, POMT1-RELATED. Identifiers: MedGen C5436962, MONDO:0013159, OMIM 613155.

Allele frequency attached by ClinVar (database versions not stated): gnomAD 0.00007; TOPMed 0.00006; gnomAD exomes 0.00001 and 0.00002; ESP Exome Variant Server 0.00008; ExAC 0.00003.
gnomAD v4.1: 21 of 1,614,018 alleles (0.0013%); highest among the groups gnomAD compares: African/African-American, 0.027%; no homozygotes.

Submissions (2):

GeneDx
Classification: Uncertain significance. Last evaluated: 2023-10-17. Review status: criteria provided, single submitter. Criteria: GeneDx Variant Classification Process June 2021. Collection method: clinical testing. Allele origin: germline. Affected: yes.
Comment: Has not been previously published as pathogenic or benign to our knowledge; In silico analysis is inconclusive as to whether the variant alters gene splicing. In the absence of RNA/functional studies, the actual effect of this sequence change is unknown.

Labcorp Genetics (formerly Invitae), Labcorp
Classification: Uncertain significance for Muscular dystrophy-dystroglycanopathy (congenital with impaired intellectual development), type B, 1; Walker-Warburg congenital muscular dystrophy; Autosomal recessive limb-girdle muscular dystrophy type 2K. Last evaluated: 2022-09-06. Review status: criteria provided, single submitter. Criteria: Invitae Variant Classification Sherloc (09022015). Collection method: clinical testing. Allele origin: germline.
Comment: This sequence change falls in intron 10 of the POMT1 gene. It does not directly change the encoded amino acid sequence of the POMT1 protein. It affects a nucleotide within the consensus splice site. This variant is present in population databases (rs370096853, gnomAD 0.04%). This variant has not been reported in the literature in individuals affected with POMT1-related conditions. ClinVar contains an entry for this variant (Variation ID: 429561). Variants that disrupt the consensus splice site are a relatively common cause of aberrant splicing (PMID: 17576681, 9536098). Algorithms developed to predict the effect of sequence changes on RNA splicing suggest that this variant may disrupt the consensus splice site. In summary, the available evidence is currently insufficient to determine the role of this variant in disease. Therefore, it has been classified as a Variant of Uncertain Significance.

Literature cited by the submitters: PubMed 17576681 (cited by Labcorp Genetics (formerly Invitae), Labcorp); PubMed 9536098 (cited by Labcorp Genetics (formerly Invitae), Labcorp).